The following is an entry in ClinVar:

NM_004237.4(TRIP13):c.1272G>A (p.Glu424=)

Gene: TRIP13 (thyroid hormone receptor interactor 13; plus strand). Cytogenetic location: 5p15.33.
Variant type: single nucleotide variant.
Coding change: c.1272G>A on transcript NM_004237.4 (MANE Select); coding-DNA position 1272, G replaced by A.
Protein change: p.Glu424=; no amino-acid change (glutamic acid 424 retained).
Molecular consequence: synonymous variant.
Genome position (GRCh38, 1-based): chr5:917,076, G>A. VCF-style: chr5-917076-G-A. GRCh37 (hg19) VCF-style: chr5-917191-G-A.
Other names: c.1272G>A (NM_004237.3).
Identifiers: ClinVar variation 2898842 (VCV002898842.5), dbSNP rs759305318, ClinGen allele CA3180143.
Genomic context (GRCh38, chr5:917,076, plus strand): 5'-CGTCACCATAGAGGGGTTCCTCCAGGCCCTGTCTCTGGCAGTGGACAAGCAGTTTGAAGA[G>A]AGAAAGAAGCTTGCAGCTTACATCTGATCCTGGGCTTCCCCATCTGGTGCTTTTCCCATG-3'
Protein context (NP_004228.1, residues 414-432): LSLAVDKQFE[Glu424=]RKKLAAYI

ClinVar aggregate classification (germline): Likely benign. Review status: criteria provided, single submitter (1 of 4 stars). 2 submissions from 2 submitters: Likely benign (1). 1 of the submissions does not count toward it. Last evaluated 2023-12-22.

Conditions:
TRIP13-related disorder. Also called: TRIP13-related condition.

Allele frequency attached by ClinVar (database versions not stated): TOPMed below 0.00001; ExAC 0.00002.
gnomAD v4.1: 11 of 1,614,122 alleles (0.00068%); highest among the groups gnomAD compares: Admixed American, 0.018%; no homozygotes.

Submissions (2):

Labcorp Genetics (formerly Invitae), Labcorp
Classification: Likely benign. Last evaluated: 2023-12-22. Review status: criteria provided, single submitter. Criteria: Invitae Variant Classification Sherloc (09022015). Collection method: clinical testing. Allele origin: germline.

PreventionGenetics, part of Exact Sciences
Classification: Likely benign for TRIP13-related condition. Last evaluated: 2023-03-17. Review status: no assertion criteria provided. Collection method: clinical testing. Allele origin: germline. Not counted in ClinVar's aggregate classification.
Comment: This variant is classified as likely benign based on ACMG/AMP sequence variant interpretation guidelines (Richards et al. 2015 PMID: 25741868, with internal and published modifications).